The following is an entry in ClinVar:

NM_001009999.3(KDM1A):c.1957G>C (p.Val653Leu)

Gene: KDM1A (lysine demethylase 1A; plus strand). Cytogenetic location: 1p36.12.
Variant type: single nucleotide variant.
Coding change: c.1957G>C on transcript NM_001009999.3 (MANE Select); coding-DNA position 1957, G replaced by C.
Protein change: p.Val653Leu; replaces valine 653 with leucine.
Molecular consequence: missense variant.
Genome position (GRCh38, 1-based): chr1:23,079,079, G>C. VCF-style: chr1-23079079-G-C. GRCh37 (hg19) VCF-style: chr1-23405572-G-C.
Other names: c.1903G>C, p.Val635Leu (NM_001363654.2); c.1963G>C, p.Val655Leu (NM_001410762.1); c.1885G>C, p.Val629Leu (NM_001410763.1, NM_015013.4); short protein forms V629L, V635L, V653L, V655L.
Identifiers: ClinVar variation 4858736 (VCV004858736.1).

ClinVar aggregate classification (germline): Uncertain significance (1 of 4 stars; one submission).

Conditions:
Inborn genetic diseases. Identifiers: MedGen C0950123, MeSH D030342.

Submission:

Ambry Genetics
Classification: Uncertain significance for Inborn genetic diseases. Last evaluated: 2026-05-14. Review status: criteria provided, single submitter. Criteria: Ambry Variant Classification Scheme 2023. Collection method: clinical testing. Allele origin: germline.
Comment: The p.V653L variant (also known as c.1957G>C), located in coding exon 17 of the KDM1A gene, results from a G to C substitution at nucleotide position 1957. The valine at codon 653 is replaced by leucine, an amino acid with highly similar properties. This amino acid position is conserved. In addition, this alteration is predicted to be deleterious by in silico analysis. Based on the available evidence, the clinical significance of this variant remains unclear.